The following continues an entry in ClinVar:

NM_000059.4(BRCA2):c.9380G>A (p.Trp3127Ter)

Gene: BRCA2. ClinVar aggregate classification (germline): Pathogenic. Pathogenic (1).

Submissions 10 to 20 of 20:

All of Us Research Program, National Institutes of Health
Classification: Pathogenic for Breast-ovarian cancer, familial, susceptibility to, 2. Last evaluated: 2023-07-19. Review status: criteria provided, single submitter. Criteria: ACMG Guidelines, 2015. Collection method: clinical testing. Allele origin: germline. Inheritance: Autosomal dominant inheritance. Observed: 1 variant allele, 1 heterozygote. Not counted in ClinVar's aggregate classification.
Comment: This variant changes 1 nucleotide in exon 25 of the BRCA2 gene, creating a premature translation stop signal. This variant is expected to result in an absent or non-functional protein product. This variant has been reported in individuals affected with breast or ovarian cancer (PMID: 22752604, 25186627, 27798748, 29470806, 29785135, 33471991). This variant has not been identified in the general population by the Genome Aggregation Database (gnomAD). Loss of BRCA2 function is a known mechanism of disease. Based on the available evidence, this variant is classified as Pathogenic.

This study involves interpretation of variants in research participants for the purpose of population health screening. Participant phenotype was not available at the time of variant classification. Additional details can be found in publication PMID: 35346344, PMCID: PMC8962531

Color Diagnostics, LLC DBA Color Health
Classification: Pathogenic for Hereditary cancer-predisposing syndrome. Last evaluated: 2023-05-24. Review status: criteria provided, single submitter. Criteria: ACMG Guidelines, 2015. Collection method: clinical testing. Allele origin: germline. Not counted in ClinVar's aggregate classification.
Comment: This variant changes 1 nucleotide in exon 25 of the BRCA2 gene, creating a premature translation stop signal. This variant is expected to result in an absent or non-functional protein product. This variant has been reported in individuals affected with breast or ovarian cancer (PMID: 22752604, 25186627, 27798748, 29470806, 29785135, 33471991). This variant has not been identified in the general population by the Genome Aggregation Database (gnomAD). Loss of BRCA2 function is a known mechanism of disease. Based on the available evidence, this variant is classified as Pathogenic.

Baylor Genetics
Classification: Pathogenic for Familial cancer of breast. Last evaluated: 2022-11-14. Review status: criteria provided, single submitter. Criteria: ACMG Guidelines, 2015. Collection method: clinical testing. Allele origin: unknown. Not counted in ClinVar's aggregate classification.

CHEO Genetics Diagnostic Laboratory, Children's Hospital of Eastern Ontario
Classification: Pathogenic for Breast and/or ovarian cancer. Last evaluated: 2022-07-21. Review status: criteria provided, single submitter. Criteria: ACMG Guidelines, 2015. Collection method: clinical testing. Allele origin: germline. Not counted in ClinVar's aggregate classification.

Quest Diagnostics Nichols Institute San Juan Capistrano
Classification: Pathogenic. Last evaluated: 2021-03-24. Review status: criteria provided, single submitter. Criteria: Quest Diagnostics criteria. Collection method: clinical testing. Allele origin: unknown. Not counted in ClinVar's aggregate classification.
Comment: This nonsense variant causes the premature termination of BRCA2 protein synthesis. It has been reported in individuals with breast and/or ovarian cancer in the published literature (PMID: 29785135 (2018), 29470806 (2018), 27798748 (2017), 22752604 (2012)). This variant has not been reported in large, multi-ethnic general populations. Based on the available information, this variant is classified as pathogenic.

ARUP Laboratories, Molecular Genetics and Genomics, ARUP Laboratories
Classification: Pathogenic. Last evaluated: 2021-01-20. Review status: criteria provided, single submitter. Criteria: ARUP Molecular Germline Variant Investigation Process 2021. Collection method: clinical testing. Allele origin: germline. Not counted in ClinVar's aggregate classification.
Comment: The BRCA2 c.9380G>A; p.Trp3127Ter variant (rs80359211) has been reported in individuals with a personal history of breast cancer and in individuals with family history of hereditary breast and ovarian cancer (Rebbeck 2018, Tung 2015, Wang 2014). The variant is reported as pathogenic by several sources in the ClinVar database (Variation ID: 38235) but is absent from general population databases (Exome Variant Server, Genome Aggregation Database), indicating it is not a common polymorphism. This variant results in a premature termination codon in the last exon of the BRCA2 gene. While this may not lead to nonsense-mediated decay, it is expected to create a truncated BRCA2 protein lacking the nuclear localization signal (Jeyasekharan 2013). Additionally, other truncating variants downstream are considered pathogenic (Variation IDs: 52826, 52888, 38260, 52831). Based on available information, this variant is considered pathogenic. References: Jeyasekharan AD et al. A cancer-associated BRCA2 mutation reveals masked nuclear export signals controlling localization. Nat Struct Mol Biol. 2013 Oct;20(10):1191-8. Rebbeck TR et al. Mutational spectrum in a worldwide study of 29,700 families with BRCA1 or BRCA2 mutations. Hum Mutat. 2018 May;39(5):593-620. Tung N et al. Frequency of mutations in individuals with breast cancer referred for BRCA1 and BRCA2 testing using next-generation sequencing with a 25-gene panel. Cancer. 2015 Jan 1;121(1):25-33. Wang ET et al. BRCA1 germline mutations may be associated with reduced ovarian reserve. Fertil Steril. 2014 Dec;102(6):1723-8.

GeneDx
Classification: Pathogenic. Last evaluated: 2020-10-16. Review status: criteria provided, single submitter. Criteria: GeneDx Variant Classification Process June 2021. Collection method: clinical testing. Allele origin: germline. Affected: yes. Not counted in ClinVar's aggregate classification.
Comment: Nonsense variant predicted to result in protein truncation or nonsense mediated decay in a gene for which loss-of-function is a known mechanism of disease; Observed in individuals with a personal or family history consistent with pathogenic variants in this gene (Juwle 2012, Ricci 2014, Kwong 2016, Moran 2017); Not observed in large population cohorts (Lek 2016); Truncating variants in this gene are considered pathogenic by a well-established clinical consortium and/or database; Also known as c.9608G>A; This variant is associated with the following publications: (PMID: 26187060, 25256924, 25186627, 29470806, 17899372, 22752604, 24065114, 28152038, 27798748, 28281021, 29785135, 29446198, 32885271)

Consortium of Investigators of Modifiers of BRCA1/2 (CIMBA), c/o University of Cambridge
Classification: Pathogenic for Breast-ovarian cancer, familial, susceptibility to, 2. Last evaluated: 2015-10-02. Review status: criteria provided, single submitter. Criteria: CIMBA Mutation Classification guidelines May 2016. Collection method: clinical testing. Allele origin: germline. Not counted in ClinVar's aggregate classification.

Sharing Clinical Reports Project (SCRP)
Classification: Pathogenic for Breast-ovarian cancer, familial 2. Last evaluated: 2010-04-29. Review status: no assertion criteria provided. Collection method: clinical testing. Allele origin: germline. Not counted in ClinVar's aggregate classification.

Breast Cancer Information Core (BIC) (BRCA2)
Classification: Pathogenic for Breast-ovarian cancer, familial 2. Last evaluated: 2002-05-29. Review status: no assertion criteria provided. Collection method: clinical testing. Allele origin: germline. Affected: yes. Observed: 5 variant alleles. Not counted in ClinVar's aggregate classification.

Department of Pathology and Laboratory Medicine, Sinai Health System
Classification: Pathogenic for Malignant tumor of breast. Review status: no assertion criteria provided. Collection method: clinical testing. Allele origin: unknown. Affected: yes. Observed: 2 variant alleles. Study: The Canadian Open Genetics Repository (COGR). Not counted in ClinVar's aggregate classification.
Comment: The BRCA2 p.Trp3127X variant was identified in 1 of 200 proband chromosomes (frequency: 0.005) from individuals or families with early onset and sporadic breast cancer, and was not identified in 100 control chromosomes from healthy individuals (Juwle 2012).The variant was also identified in dbSNP (ID: rs80359211) as â€šÃ„ÃºWith Pathogenic alleleâ€šÃ„Ã¹; ClinVar and Clinvitae database (Pathogenic by Ambry Genetics, Sharing Clinical Reports Projects of Myriad, Breast Cancer Information Core (BIC), Quest Diagnostics, Nichols Institute, San Juan, Capistrano. Invitae did not provide a classification); Fanconi Anemia Mutation Database (LOVD) (1x classified deleterious); BIC database (5X class 5 causal with clinical importance); BRCA Share UMD (1X â€šÃ„Ãºcausalâ€šÃ„Ã¹ classification p.Trp3127X by c.9381A>G). The variant occurs outside of the splicing consensus sequence and 1 of 5 in silico or computational prediction software programs (SpliceSiteFinder, MaxEntScan, NNSPLICE, GeneSplicer, HumanSpliceFinder) predict the creation of a 3â€šÃ„Ã´ splice site; this is not very predictive of pathogenicity. Exonic splicing enhancers (ESE) studies indicate the effect on ESE is decreased. This may adversely affect splicing and thereby contribute to BRCA2 disruption (Pettigrew 2008).The p.Trp3127X variant leads to a premature stop codon at position 3127 which is predicted to lead to a truncated or absent protein and loss of function. Loss of function variants of the BRCA2 gene are an established mechanism of disease in hereditary breast and ovarian cancer and is the type of variant expected to cause the disorder. In summary, based on the above information, this variant meets our laboratoryâ€šÃ„Ã´s criteria to be classified as pathogenic.

Literature cited by the submitters: PubMed 20104584 (cited by Labcorp Genetics (formerly Invitae), Labcorp and GeneKor MSA); PubMed 22752604 (cited by 8 submitters); PubMed 25186627 (cited by 7 submitters); PubMed 26187060 (cited by Labcorp Genetics (formerly Invitae), Labcorp and Mayo Clinic Laboratories, Mayo Clinic); PubMed 27798748 (cited by 8 submitters); PubMed 29470806 (cited by 7 submitters); PubMed 29446198 (cited by Mayo Clinic Laboratories, Mayo Clinic); PubMed 29785135 (cited by 5 submitters); PubMed 31723001 (cited by Mayo Clinic Laboratories, Mayo Clinic); PubMed 32885271 (cited by Mayo Clinic Laboratories, Mayo Clinic); PubMed 35710434 (cited by Mayo Clinic Laboratories, Mayo Clinic); PubMed 25256924 (cited by Women's Health and Genetics/Laboratory Corporation of America, LabCorp); PubMed 33471991 (cited by All of Us Research Program, National Institutes of Health and Color Diagnostics, LLC DBA Color Health); PubMed 17899372 (cited by Quest Diagnostics Nichols Institute San Juan Capistrano); PubMed 26295337 (cited by Quest Diagnostics Nichols Institute San Juan Capistrano).